The following is an entry in ClinVar:

ClinVar aggregate classification (germline): Uncertain significance. Review status: criteria provided, multiple submitters, no conflicts (2 of 4 stars). 2 submissions from 2 submitters: Uncertain significance (2). Last evaluated 2024-02-24.

Conditions:
Hereditary cancer-predisposing syndrome. Also called: Hereditary neoplastic syndrome; Neoplastic Syndromes, Hereditary; Hereditary Cancer Syndrome; Tumor predisposition. Identifiers: Orphanet 140162, MedGen C0027672, MeSH D009386, MONDO:0015356.

gnomAD v4.1: 1 of 1,613,552 alleles (0.000062%); no homozygotes.

Submissions (2):

Labcorp Genetics (formerly Invitae), Labcorp
Classification: Uncertain significance. Last evaluated: 2024-02-24. Review status: criteria provided, single submitter. Criteria: Invitae Variant Classification Sherloc (09022015). Collection method: clinical testing. Allele origin: germline.
Comment: This sequence change replaces histidine, which is basic and polar, with tyrosine, which is neutral and polar, at codon 819 of the MSH3 protein (p.His819Tyr). This variant is not present in population databases (gnomAD no frequency). This variant has not been reported in the literature in individuals affected with MSH3-related conditions. ClinVar contains an entry for this variant (Variation ID: 1721507). Algorithms developed to predict the effect of missense changes on protein structure and function output the following: SIFT: "Not Available"; PolyPhen-2: "Benign"; Align-GVGD: "Not Available". The tyrosine amino acid residue is found in multiple mammalian species, which suggests that this missense change does not adversely affect protein function. In summary, the available evidence is currently insufficient to determine the role of this variant in disease. Therefore, it has been classified as a Variant of Uncertain Significance.

Ambry Genetics
Classification: Uncertain significance for Hereditary cancer-predisposing syndrome. Last evaluated: 2023-12-05. Review status: criteria provided, single submitter. Criteria: Ambry Variant Classification Scheme 2023. Collection method: clinical testing. Allele origin: germline.
Comment: The p.H819Y variant (also known as c.2455C>T), located in coding exon 18 of the MSH3 gene, results from a C to T substitution at nucleotide position 2455. The histidine at codon 819 is replaced by tyrosine, an amino acid with similar properties. This amino acid position is conserved. In addition, this alteration is predicted to be tolerated by in silico analysis. Since supporting evidence is limited at this time, the clinical significance of this alteration remains unclear.

NM_002439.5(MSH3):c.2455C>T (p.His819Tyr)

Gene: MSH3 (mutS homolog 3; plus strand). Cytogenetic location: 5q14.1.
Variant type: single nucleotide variant.
Coding change: c.2455C>T on transcript NM_002439.5 (MANE Select); coding-DNA position 2455, C replaced by T.
Protein change: p.His819Tyr; replaces histidine 819 with tyrosine.
Molecular consequence: missense variant.
Genome position (GRCh38, 1-based): chr5:80,787,584, C>T. VCF-style: chr5-80787584-C-T. GRCh37 (hg19) VCF-style: chr5-80083403-C-T.
Other names: c.2455C>T (NM_002439.3); short protein forms H819Y.
Identifiers: ClinVar variation 1721507 (VCV001721507.6), dbSNP rs2546784295, ClinGen allele CA360283025.
Genomic context (GRCh38, chr5:80,787,584, plus strand): 5'-TCAGTTTGCTCACCTTTTTGTTGTTGCTGCTGCTTCCGTAGGAAATTCAGTGAACATTAT[C>T]ACTCCTTGTGTAAAGCAGTGCATCACCTAGCAACTGTTGACTGCATTTTCTCCCTGGCCA-3'
Protein context (NP_002430.3, residues 809-829): DFLEKFSEHY[His819Tyr]SLCKAVHHLA